The following is an entry in ClinVar:

ClinVar aggregate classification (germline): Benign/Likely benign. Review status: criteria provided, multiple submitters, no conflicts (2 of 4 stars). 3 submissions from 3 submitters: Benign (1); Likely benign (1). 1 of the submissions does not count toward it. Last evaluated 2026-01-19.

Conditions:
MFSD2A-related disorder. Also called: MFSD2A-related condition.

Allele frequency attached by ClinVar (database versions not stated): ESP Exome Variant Server 0.00046; 1000 Genomes Project 30x 0.00062; TOPMed 0.00069; 1000 Genomes Project 0.00080.
gnomAD v4.1: 1,324 of 1,614,080 alleles (0.082%); highest among the groups gnomAD compares: East Asian, 0.74%; 6 homozygotes.

Submissions (3):

Labcorp Genetics (formerly Invitae), Labcorp
Classification: Benign. Last evaluated: 2026-01-19. Review status: criteria provided, single submitter. Criteria: Invitae Variant Classification Sherloc (09022015). Collection method: clinical testing. Allele origin: germline.

CeGaT Center for Human Genetics Tuebingen
Classification: Likely benign. Last evaluated: 2024-07-01. Review status: criteria provided, single submitter. Criteria: CeGaT Center For Human Genetics Tuebingen Variant Classification Criteria Version 2. Collection method: clinical testing. Allele origin: germline. Affected: yes. Observed: 1 variant allele.
Comment: MFSD2A: BP4, BP7, BS2

PreventionGenetics, part of Exact Sciences
Classification: Likely benign for MFSD2A-related condition. Last evaluated: 2019-06-25. Review status: no assertion criteria provided. Collection method: clinical testing. Allele origin: germline. Not counted in ClinVar's aggregate classification.
Comment: This variant is classified as likely benign based on ACMG/AMP sequence variant interpretation guidelines (Richards et al. 2015 PMID: 25741868, with internal and published modifications).

NM_032793.5(MFSD2A):c.549C>A (p.Thr183=)

Gene: MFSD2A (MFSD2 lysolipid transporter A, lysophospholipid; plus strand). Cytogenetic location: 1p34.2.
Variant type: single nucleotide variant.
Coding change: c.549C>A on transcript NM_032793.5 (MANE Select); coding-DNA position 549, C replaced by A.
Protein change: p.Thr183=; no amino-acid change (threonine 183 retained).
Molecular consequence: synonymous variant. On other transcripts: non-coding transcript variant (1).
Genome position (GRCh38, 1-based): chr1:39,965,542, C>A. VCF-style: chr1-39965542-C-A. GRCh37 (hg19) VCF-style: chr1-40431214-C-A.
Other names: c.588C>A, p.Thr196= (NM_001136493.3); c.81C>A, p.Thr27= (NM_001287808.2); c.438C>A, p.Thr146= (NM_001287809.2); c.543C>A, p.Thr181= (NM_001349821.2); c.549C>A, p.Thr183= (NM_001349822.2); c.204C>A, p.Thr68= (NM_001349823.2).
Identifiers: ClinVar variation 740801 (VCV000740801.28), dbSNP rs115821410, ClinGen allele CA788681.